The following is an entry in ClinVar:

ClinVar aggregate classification (germline): Pathogenic (1 of 4 stars; one submission).

Conditions:
Polycystic kidney disease 4 (PKD4). Also called: POLYCYSTIC KIDNEY AND HEPATIC DISEASE 1; POLYCYSTIC KIDNEY DISEASE, INFANTILE, TYPE I; POLYCYSTIC KIDNEY DISEASE 4 WITH OR WITHOUT POLYCYSTIC LIVER DISEASE; PKD3; Autosomal Recessive Polycystic Kidney Disease – PKHD1. Identifiers: MedGen C4540575, MONDO:0033004, OMIM 263200.

Submission:

Myriad Genetics, Inc.
Classification: Pathogenic for Polycystic kidney disease 4. Last evaluated: 2025-04-28. Review status: criteria provided, single submitter. Criteria: Myriad Autosomal Dominant, Autosomal Recessive and X-Linked Classification Criteria (2023). Collection method: clinical testing. Allele origin: unknown.
Comment: NM_138694.3(PKHD1):c.491T>A(L164*) is expected to be pathogenic in the context of autosomal recessive polycystic kidney disease, PKHD1-related. This variant is predicted to lead to an abnormal or absent protein product due to the creation of a premature termination codon in PKHD1, a gene where loss-of-function variants are known to be pathogenic. Please note: this variant was assessed in the context of healthy population screening.

NM_138694.4(PKHD1):c.491T>A (p.Leu164Ter)

Gene: PKHD1 (PKHD1 ciliary IPT domain containing fibrocystin/polyductin; minus strand). Cytogenetic location: 6p12.2.
Variant type: single nucleotide variant.
Coding change: c.491T>A on transcript NM_138694.4 (MANE Select); coding-DNA position 491, T replaced by A.
Protein change: p.Leu164Ter; replaces leucine 164 with a stop codon.
Molecular consequence: nonsense.
Genome position (GRCh38, 1-based): chr6:52,073,499, A>T on the plus strand (T>A on the coding strand, the complement: PKHD1 is on the minus strand). VCF-style: chr6-52073499-A-T. GRCh37 (hg19) VCF-style: chr6-51938297-A-T.
Other names: c.491T>A, p.Leu164Ter (NM_170724.3); short protein forms L164*.
Identifiers: ClinVar variation 5014356 (VCV005014356.1).